The following is an entry in ClinVar:

ClinVar aggregate classification (germline): Uncertain significance. Review status: criteria provided, multiple submitters, no conflicts (2 of 4 stars). 3 submissions from 3 submitters: Uncertain significance (3). Last evaluated 2025-03-21.

Conditions:
Inborn genetic diseases. Identifiers: MedGen C0950123, MeSH D030342.

Allele frequency attached by ClinVar (database versions not stated): TOPMed 0.00025; 1000 Genomes Project 30x 0.00047; ExAC 0.00008; gnomAD 0.00022; 1000 Genomes Project 0.00060.
gnomAD v4.1: 72 of 1,583,040 alleles (0.0045%); highest among the groups gnomAD compares: African/African-American, 0.077%; no homozygotes.

Submissions (3):

Ambry Genetics
Classification: Uncertain significance for Inborn genetic diseases. Last evaluated: 2025-03-21. Review status: criteria provided, single submitter. Criteria: Ambry Variant Classification Scheme 2023. Collection method: clinical testing. Allele origin: germline.

GeneDx
Classification: Uncertain significance. Last evaluated: 2022-12-27. Review status: criteria provided, single submitter. Criteria: GeneDx Variant Classification Process June 2021. Collection method: clinical testing. Allele origin: germline. Affected: yes.
Comment: In silico analysis supports that this missense variant does not alter protein structure/function; Has not been previously published as pathogenic or benign to our knowledge

Labcorp Genetics (formerly Invitae), Labcorp
Classification: Uncertain significance. Last evaluated: 2022-08-11. Review status: criteria provided, single submitter. Criteria: Invitae Variant Classification Sherloc (09022015). Collection method: clinical testing. Allele origin: germline.
Comment: This sequence change replaces alanine, which is neutral and non-polar, with threonine, which is neutral and polar, at codon 29 of the GRM7 protein (p.Ala29Thr). This variant is present in population databases (rs200656326, gnomAD 0.08%). This variant has not been reported in the literature in individuals affected with GRM7-related conditions. Algorithms developed to predict the effect of missense changes on protein structure and function are either unavailable or do not agree on the potential impact of this missense change (SIFT: "Deleterious"; PolyPhen-2: "Benign"; Align-GVGD: "Class C0"). In summary, the available evidence is currently insufficient to determine the role of this variant in disease. Therefore, it has been classified as a Variant of Uncertain Significance.

NM_000844.4(GRM7):c.85G>A (p.Ala29Thr)

Gene: GRM7 (glutamate metabotropic receptor 7; plus strand). Cytogenetic location: 3p26.1.
Variant type: single nucleotide variant.
Coding change: c.85G>A on transcript NM_000844.4 (MANE Select); coding-DNA position 85, G replaced by A.
Protein change: p.Ala29Thr; replaces alanine 29 with threonine.
Molecular consequence: missense variant.
Genome position (GRCh38, 1-based): chr3:6,861,473, G>A. VCF-style: chr3-6861473-G-A. GRCh37 (hg19) VCF-style: chr3-6903160-G-A.
Other names: c.85G>A, p.Ala29Thr (NM_181874.3); c.85G>A (NM_000844.3); short protein forms A29T.
Identifiers: ClinVar variation 2053982 (VCV002053982.3), dbSNP rs200656326, ClinGen allele CA2234508.